The following is an entry in ClinVar:

ClinVar aggregate classification (germline): Uncertain significance. Review status: criteria provided, multiple submitters, no conflicts (2 of 4 stars). 2 submissions from 2 submitters: Uncertain significance (2). Last evaluated 2025-12-13.

Conditions:
Hereditary cancer-predisposing syndrome. Also called: Hereditary neoplastic syndrome; Neoplastic Syndromes, Hereditary; Tumor predisposition; Hereditary Cancer Syndrome. Identifiers: Orphanet 140162, MedGen C0027672, MeSH D009386, MONDO:0015356.
Bloom syndrome (BLM). Also called: Bloom-Torre-Machacek syndrome. Identifiers: Orphanet 125, MedGen C0005859, MONDO:0008876, OMIM 210900.

Allele frequency attached by ClinVar (database versions not stated): gnomAD exomes below 0.00001.
gnomAD v4.1: 2 of 1,612,986 alleles (0.00012%); highest among the groups gnomAD compares: Non-Finnish European, 0.00017%; no homozygotes.

Submissions (2):

Ambry Genetics
Classification: Uncertain significance for Hereditary cancer-predisposing syndrome. Last evaluated: 2025-12-13. Review status: criteria provided, single submitter. Criteria: Ambry Variant Classification Scheme 2023. Collection method: clinical testing. Allele origin: germline.
Comment: The p.I720T variant (also known as c.2159T>C), located in coding exon 8 of the BLM gene, results from a T to C substitution at nucleotide position 2159. The isoleucine at codon 720 is replaced by threonine, an amino acid with similar properties. This amino acid position is conserved. In addition, this alteration is predicted to be deleterious by in silico analysis. Since supporting evidence is limited at this time, the clinical significance of this alteration remains unclear.

Labcorp Genetics (formerly Invitae), Labcorp
Classification: Uncertain significance for Bloom syndrome. Last evaluated: 2024-11-21. Review status: criteria provided, single submitter. Criteria: Invitae Variant Classification Sherloc (09022015). Collection method: clinical testing. Allele origin: germline.
Comment: This sequence change replaces isoleucine, which is neutral and non-polar, with threonine, which is neutral and polar, at codon 720 of the BLM protein (p.Ile720Thr). This variant is not present in population databases (gnomAD no frequency). This variant has not been reported in the literature in individuals affected with BLM-related conditions. ClinVar contains an entry for this variant (Variation ID: 2049761). Invitae Evidence Modeling of protein sequence and biophysical properties (such as structural, functional, and spatial information, amino acid conservation, physicochemical variation, residue mobility, and thermodynamic stability) indicates that this missense variant is expected to disrupt BLM protein function with a positive predictive value of 80%. In summary, the available evidence is currently insufficient to determine the role of this variant in disease. Therefore, it has been classified as a Variant of Uncertain Significance.

NM_000057.4(BLM):c.2159T>C (p.Ile720Thr)

Gene: BLM (BLM RecQ like helicase; plus strand). Cytogenetic location: 15q26.1.
Variant type: single nucleotide variant.
Coding change: c.2159T>C on transcript NM_000057.4 (MANE Select); coding-DNA position 2159, T replaced by C.
Protein change: p.Ile720Thr; replaces isoleucine 720 with threonine.
Molecular consequence: missense variant.
Genome position (GRCh38, 1-based): chr15:90,765,380, T>C. VCF-style: chr15-90765380-T-C. GRCh37 (hg19) VCF-style: chr15-91308610-T-C.
Other names: c.2159T>C, p.Ile720Thr (NM_001287246.2, NM_001287247.2); c.1034T>C, p.Ile345Thr (NM_001287248.2); short protein forms I345T, I720T.
Identifiers: ClinVar variation 2049761 (VCV002049761.6), dbSNP rs2505441630, ClinGen allele CA393844679.